The following is an entry in ClinVar:

ClinVar aggregate classification (germline): Uncertain significance (1 of 4 stars; one submission).

Allele frequency attached by ClinVar (database versions not stated): gnomAD 0.00001; gnomAD exomes 0.00001; ExAC 0.00002; TOPMed 0.00005.
gnomAD v4.1: 19 of 1,613,978 alleles (0.0012%); highest among the groups gnomAD compares: East Asian, 0.038%; no homozygotes.

Submission:

Labcorp Genetics (formerly Invitae), Labcorp
Classification: Uncertain significance. Last evaluated: 2022-02-17. Review status: criteria provided, single submitter. Criteria: Invitae Variant Classification Sherloc (09022015). Collection method: clinical testing. Allele origin: germline.
Comment: This sequence change replaces isoleucine, which is neutral and non-polar, with valine, which is neutral and non-polar, at codon 160 of the POC1A protein (p.Ile160Val). This variant is present in population databases (rs759047319, gnomAD 0.02%). This variant has not been reported in the literature in individuals affected with POC1A-related conditions. Algorithms developed to predict the effect of missense changes on protein structure and function are either unavailable or do not agree on the potential impact of this missense change (SIFT: "Not Available"; PolyPhen-2: "Benign"; Align-GVGD: "Not Available"). In summary, the available evidence is currently insufficient to determine the role of this variant in disease. Therefore, it has been classified as a Variant of Uncertain Significance.

NM_015426.5(POC1A):c.478A>G (p.Ile160Val)

Gene: POC1A (POC1 centriolar protein A; minus strand). Cytogenetic location: 3p21.2.
Variant type: single nucleotide variant.
Coding change: c.478A>G on transcript NM_015426.5 (MANE Select); coding-DNA position 478, A replaced by G.
Protein change: p.Ile160Val; replaces isoleucine 160 with valine.
Molecular consequence: missense variant.
Genome position (GRCh38, 1-based): chr3:52,147,073, T>C on the plus strand (A>G on the coding strand, the complement: POC1A is on the minus strand). VCF-style: chr3-52147073-T-C. GRCh37 (hg19) VCF-style: chr3-52181089-T-C.
Other names: c.478A>G, p.Ile160Val (NM_001161580.2); c.364A>G, p.Ile122Val (NM_001161581.2); short protein forms I160V, I122V.
Identifiers: ClinVar variation 1976357 (VCV001976357.2), dbSNP rs759047319, ClinGen allele CA2429609.